The following is an entry in ClinVar:

ClinVar aggregate classification (germline): Pathogenic/Likely pathogenic. Review status: criteria provided, multiple submitters, no conflicts (2 of 4 stars). 3 submissions from 3 submitters: Pathogenic (1); Likely pathogenic (1). 1 of the submissions does not count toward it. Last evaluated 2025-05-27.

Conditions:
Upshaw-Schulman syndrome (TTP). Also called: THROMBOTIC THROMBOCYTOPENIC PURPURA, HEREDITARY; Congenital thrombotic thrombocytopenic purpura. Identifiers: Orphanet 93583, MedGen C1268935, MONDO:0010122, OMIM 274150.

Allele frequency attached by ClinVar (database versions not stated): gnomAD 0.00002; TOPMed 0.00002.

Submissions (3):

Mayo Clinic Laboratories, Mayo Clinic
Classification: Likely pathogenic. Last evaluated: 2025-05-27. Review status: criteria provided, single submitter. Criteria: ACMG Guidelines, 2015. Collection method: clinical testing. Allele origin: germline. Observed: 1 variant allele.
Comment: PP3_moderate, PM2_supporting, PM5, PS3_supporting

Labcorp Genetics (formerly Invitae), Labcorp
Classification: Pathogenic. Last evaluated: 2025-05-25. Review status: criteria provided, single submitter. Criteria: Invitae Variant Classification Sherloc (09022015). Collection method: clinical testing. Allele origin: germline.
Comment: This sequence change replaces arginine, which is basic and polar, with cysteine, which is neutral and slightly polar, at codon 102 of the ADAMTS13 protein (p.Arg102Cys). This variant is present in population databases (rs121908469, gnomAD 0.003%). This missense change has been observed in individuals with ADAMTS13-related conditions (PMID: 11586351, 36987722; internal data). ClinVar contains an entry for this variant (Variation ID: 5800). Invitae Evidence Modeling of protein sequence and biophysical properties (such as structural, functional, and spatial information, amino acid conservation, physicochemical variation, residue mobility, and thermodynamic stability) indicates that this missense variant is expected to disrupt ADAMTS13 protein function with a positive predictive value of 80%. This variant disrupts the p.Arg102 amino acid residue in ADAMTS13. Other variant(s) that disrupt this residue have been observed in individuals with ADAMTS13-related conditions (PMID: 22783805, 32103696), which suggests that this may be a clinically significant amino acid residue. For these reasons, this variant has been classified as Pathogenic.

OMIM
Classification: Pathogenic for THROMBOTIC THROMBOCYTOPENIC PURPURA, HEREDITARY. Last evaluated: 2001-10-04. Review status: no assertion criteria provided. Collection method: literature only. Allele origin: germline. Not counted in ClinVar's aggregate classification.

Literature cited by the submitters: PubMed 11586351 (cited by 3 submitters); PubMed 21937160 (cited by Mayo Clinic Laboratories, Mayo Clinic); PubMed 24288641 (cited by Mayo Clinic Laboratories, Mayo Clinic); PubMed 30792199 (cited by Mayo Clinic Laboratories, Mayo Clinic); PubMed 34789164 (cited by Mayo Clinic Laboratories, Mayo Clinic); PubMed 36987722 (cited by Mayo Clinic Laboratories, Mayo Clinic and Labcorp Genetics (formerly Invitae), Labcorp); PubMed 22783805 (cited by Labcorp Genetics (formerly Invitae), Labcorp); PubMed 32103696 (cited by Labcorp Genetics (formerly Invitae), Labcorp).

NM_139027.6(ADAMTS13):c.304C>T (p.Arg102Cys)

Gene: ADAMTS13 (ADAM metallopeptidase with thrombospondin type 1 motif 13; plus strand). Cytogenetic location: 9q34.2.
Variant type: single nucleotide variant.
Coding change: c.304C>T on transcript NM_139027.6 (MANE Select); coding-DNA position 304, C replaced by T.
Protein change: p.Arg102Cys; replaces arginine 102 with cysteine.
Molecular consequence: missense variant. On other transcripts: non-coding transcript variant (1).
Genome position (GRCh38, 1-based): chr9:133,424,452, C>T. VCF-style: chr9-133424452-C-T. GRCh37 (hg19) VCF-style: chr9-136289572-C-T.
Other names: c.304C>T, p.Arg102Cys (NM_139025.5, NM_139026.6); c.304C>T (NM_139025.4); short protein forms R102C.
Identifiers: ClinVar variation 5800 (VCV000005800.4), dbSNP rs121908469, ClinGen allele CA117745.